The following is an entry in ClinVar:

NM_001376.5(DYNC1H1):c.12087C>A (p.His4029Gln)

Gene: DYNC1H1 (dynein cytoplasmic 1 heavy chain 1; plus strand). Cytogenetic location: 14q32.31.
Variant type: single nucleotide variant.
Coding change: c.12087C>A on transcript NM_001376.5 (MANE Select); coding-DNA position 12087, C replaced by A.
Protein change: p.His4029Gln; replaces histidine 4029 with glutamine.
Molecular consequence: missense variant.
Genome position (GRCh38, 1-based): chr14:102,041,719, C>A. VCF-style: chr14-102041719-C-A. GRCh37 (hg19) VCF-style: chr14-102508056-C-A.
Other names: p.H4029Q:CAC>CAA; short protein forms H4029Q.
Identifiers: ClinVar variation 128928 (VCV000128928.32), dbSNP rs10129889, ClinGen allele CA152628.

ClinVar aggregate classification (germline): Benign. Review status: criteria provided, multiple submitters, no conflicts (2 of 4 stars). 14 submissions from 13 submitters: Benign (10). 4 of the submissions do not count toward it. Last evaluated 2026-02-04.

Conditions:
Autosomal dominant cerebellar ataxia. Also called: Spinocerebellar Ataxia, Dominant. Identifiers: Orphanet 99, MedGen C4087347, MONDO:0020380.
Inborn genetic diseases. Identifiers: MedGen C0950123, MeSH D030342.
Charcot-Marie-Tooth disease. Also called: Charcot-Marie-Tooth Neuropathy; Charcot-Marie-Tooth Hereditary Neuropathy. Identifiers: Orphanet 166, MedGen C0007959, MONDO:0015626.
Charcot-Marie-Tooth disease axonal type 2O. Also called: CHARCOT-MARIE-TOOTH NEUROPATHY, AXONAL, TYPE 2O; CHARCOT-MARIE-TOOTH DISEASE, AXONAL, AUTOSOMAL DOMINANT, TYPE 2O; Charcot-Marie-Tooth Neuropathy Type 2O; Charcot-Marie-Tooth disease, axonal, type 20. Identifiers: Orphanet 284232, MedGen C3280220, MONDO:0013644, OMIM 614228.

Allele frequency attached by ClinVar (database versions not stated): gnomAD exomes 0.06754 and 0.06934; ExAC 0.07415; 1000 Genomes Project 0.09904; 1000 Genomes Project 30x 0.10306; gnomAD 0.12179 and 0.12866; TOPMed 0.12588; ESP Exome Variant Server 0.13325.
gnomAD v4.1: 117,521 of 1,614,016 alleles (7.3%); highest among the groups gnomAD compares: African/African-American, 28%; 6,314 homozygotes.

Submissions (14):

Labcorp Genetics (formerly Invitae), Labcorp
Classification: Benign for Charcot-Marie-Tooth disease axonal type 2O. Last evaluated: 2026-02-04. Review status: criteria provided, single submitter. Criteria: Invitae Variant Classification Sherloc (09022015). Collection method: clinical testing. Allele origin: germline.

Illumina Laboratory Services, Illumina
Classification: Benign for Charcot-Marie-Tooth disease axonal type 2O. Last evaluated: 2018-01-13. Review status: criteria provided, single submitter. Criteria: ICSL Variant Classification Criteria 13 December 2019. Collection method: clinical testing. Allele origin: germline.
Comment: This variant was observed in the ICSL laboratory as part of a predisposition screen in an ostensibly healthy population. It had not been previously curated by ICSL or reported in the Human Gene Mutation Database (HGMD: prior to June 1st, 2018), and was therefore a candidate for classification through an automated scoring system. Utilizing variant allele frequency, disease prevalence and penetrance estimates, and inheritance mode, an automated score was calculated to assess if this variant is too frequent to cause the disease. Based on the score and internal cut-off values, a variant classified as benign is not then subjected to further curation. The score for this variant resulted in a classification of benign for this disease.

Illumina Laboratory Services, Illumina
Classification: Benign for Spinocerebellar Ataxia, Dominant. Last evaluated: 2018-01-13. Review status: criteria provided, single submitter. Criteria: ICSL Variant Classification Criteria 13 December 2019. Collection method: clinical testing. Allele origin: germline.
Comment: the same text as in the submission from Illumina Laboratory Services, Illumina above.

Athena Diagnostics
Classification: Benign. Last evaluated: 2017-11-16. Review status: criteria provided, single submitter. Criteria: Athena Diagnostics Criteria. Collection method: clinical testing. Allele origin: germline.

Mayo Clinic Laboratories, Mayo Clinic
Classification: Benign. Last evaluated: 2016-03-01. Review status: criteria provided, single submitter. Criteria: ACMG Guidelines, 2015. Collection method: clinical testing. Allele origin: germline. Observed: 293 variant alleles.

Ambry Genetics
Classification: Benign for Inborn genetic diseases. Last evaluated: 2016-02-22. Review status: criteria provided, single submitter. Criteria: Ambry Variant Classification Scheme 2023. Collection method: clinical testing. Allele origin: germline.

GeneDx
Classification: Benign. Last evaluated: 2013-12-30. Review status: criteria provided, single submitter. Criteria: GeneDx Variant Classification (06012015). Collection method: clinical testing. Allele origin: germline. Affected: yes.
Comment: This variant is considered likely benign or benign based on one or more of the following criteria: it is a conservative change, it occurs at a poorly conserved position in the protein, it is predicted to be benign by multiple in silico algorithms, and/or has population frequency not consistent with disease.

Breakthrough Genomics
Classification: Benign. Review status: criteria provided, single submitter. Criteria: ACMG Guidelines, 2015. Collection method: not provided. Allele origin: germline. Inheritance: Autosomal dominant inheritance. Affected: yes.

Molecular Genetics Laboratory, London Health Sciences Centre
Classification: Benign for Charcot-Marie-Tooth disease. Review status: criteria provided, single submitter. Criteria: ACMG Guidelines, 2015. Collection method: clinical testing. Allele origin: germline. Affected: yes.

PreventionGenetics, part of Exact Sciences
Classification: Benign. Review status: criteria provided, single submitter. Criteria: ACMG Guidelines, 2015. Collection method: clinical testing. Allele origin: germline.

Clinical Genetics DNA and cytogenetics Diagnostics Lab, Erasmus MC, Erasmus Medical Center
Classification: Benign. Review status: no assertion criteria provided. Collection method: clinical testing. Allele origin: germline. Affected: yes. Study: VKGL Data-share Consensus. Not counted in ClinVar's aggregate classification.

Clinical Genetics, Academic Medical Center
Classification: Benign. Review status: no assertion criteria provided. Collection method: clinical testing. Allele origin: germline. Affected: yes. Study: VKGL Data-share Consensus. Not counted in ClinVar's aggregate classification.

Genetic Services Laboratory, University of Chicago
Classification: Likely benign for AllHighlyPenetrant. Review status: no assertion criteria provided. Collection method: clinical testing. Allele origin: germline. Inheritance: Autosomal dominant inheritance. Not counted in ClinVar's aggregate classification.
Comment: Likely benign based on allele frequency in 1000 Genomes Project or ESP global frequency and its presence in a patient with a rare or unrelated disease phenotype. NOT Sanger confirmed.

Joint Genome Diagnostic Labs from Nijmegen and Maastricht, Radboudumc and MUMC+
Classification: Benign. Review status: no assertion criteria provided. Collection method: clinical testing. Allele origin: germline. Affected: yes. Study: VKGL Data-share Consensus. Not counted in ClinVar's aggregate classification.